The following is an entry in ClinVar:

NM_003970.4(MYOM2):c.1659C>T (p.Ser553=)

Gene: MYOM2 (myomesin 2; plus strand). Cytogenetic location: 8p23.3.
Variant type: single nucleotide variant.
Coding change: c.1659C>T on transcript NM_003970.4 (MANE Select); coding-DNA position 1659, C replaced by T.
Protein change: p.Ser553=; no amino-acid change (serine 553 retained).
Molecular consequence: synonymous variant.
Genome position (GRCh38, 1-based): chr8:2,090,022, C>T. VCF-style: chr8-2090022-C-T. GRCh37 (hg19) VCF-style: chr8-2037845-C-T.
Identifiers: ClinVar variation 3044831 (VCV003044831.2), dbSNP rs775972053, ClinGen allele CA170454971.
Genomic context (GRCh38, chr8:2,090,022, plus strand): 5'-ACCTCGCGGTTTTCACTGCCAGTCTCGTTTCTGTTTCTCTTTGTAGTCCGTGGTGGGGAG[C>T]GGCAGCTGGCAGAGAGTCAACGCCCAGACGGCTGTGAGATCCCCGAGATATGCCGTGTTT-3'
Protein context (NP_003961.3, residues 543-563): MYFIEKSVVG[Ser553=]GSWQRVNAQT

ClinVar aggregate classification (germline): Likely benign (0 of 4 stars; one submission).

Conditions:
MYOM2-related disorder. Also called: MYOM2-related condition.

Allele frequency attached by ClinVar (database versions not stated): gnomAD 0.00001; TOPMed 0.00001; gnomAD exomes 0.00002; ExAC 0.00003.
gnomAD v4.1: 26 of 1,613,420 alleles (0.0016%); highest among the groups gnomAD compares: South Asian, 0.0099%; no homozygotes.

Submission:

PreventionGenetics, part of Exact Sciences
Classification: Likely benign for MYOM2-related condition. Last evaluated: 2019-06-07. Review status: no assertion criteria provided. Collection method: clinical testing. Allele origin: germline.
Comment: This variant is classified as likely benign based on ACMG/AMP sequence variant interpretation guidelines (Richards et al. 2015 PMID: 25741868, with internal and published modifications).